The following is an entry in ClinVar:

ClinVar aggregate classification (germline): Uncertain significance. Review status: criteria provided, multiple submitters, no conflicts (2 of 4 stars). 3 submissions from 3 submitters: Uncertain significance (3). Last evaluated 2024-05-21.

Conditions:
Left ventricular noncompaction 7 (LVNC7). Identifiers: Orphanet 54260, MedGen C3554496, MONDO:0014042, OMIM 615092.
Inborn genetic diseases. Identifiers: MedGen C0950123, MeSH D030342.

Allele frequency attached by ClinVar (database versions not stated): gnomAD exomes below 0.00001; TOPMed below 0.00001.
gnomAD v4.1: 1 of 1,593,440 alleles (0.000063%); highest among the groups gnomAD compares: Admixed American, 0.0017%; no homozygotes.

Submissions (3):

Ambry Genetics
Classification: Uncertain significance for Inborn genetic diseases. Last evaluated: 2024-05-21. Review status: criteria provided, single submitter. Criteria: Ambry Variant Classification Scheme 2023. Collection method: clinical testing. Allele origin: germline.
Comment: The p.D937G variant (also known as c.2810A>G), located in coding exon 20 of the MIB1 gene, results from an A to G substitution at nucleotide position 2810. The aspartic acid at codon 937 is replaced by glycine, an amino acid with similar properties. This amino acid position is conserved. In addition, the in silico prediction for this alteration is inconclusive. Based on the available evidence, the clinical significance of this variant remains unclear.

GeneDx
Classification: Uncertain significance. Last evaluated: 2023-06-01. Review status: criteria provided, single submitter. Criteria: GeneDx Variant Classification Process June 2021. Collection method: clinical testing. Allele origin: germline. Affected: yes.
Comment: Has not been previously published as pathogenic or benign to our knowledge; Not observed at significant frequency in large population cohorts (gnomAD); In silico analysis supports that this missense variant does not alter protein structure/function

Baylor Genetics
Classification: Uncertain significance for Left ventricular noncompaction 7. Last evaluated: 2021-02-19. Review status: criteria provided, single submitter. Criteria: ACMG Guidelines, 2015. Collection method: clinical testing. Allele origin: unknown.

NM_020774.4(MIB1):c.2810A>G (p.Asp937Gly)

Gene: MIB1 (MIB E3 ubiquitin protein ligase 1; plus strand). Cytogenetic location: 18q11.2.
Variant type: single nucleotide variant.
Coding change: c.2810A>G on transcript NM_020774.4 (MANE Select); coding-DNA position 2810, A replaced by G.
Protein change: p.Asp937Gly; replaces aspartic acid 937 with glycine.
Molecular consequence: missense variant.
Genome position (GRCh38, 1-based): chr18:21,858,576, A>G. VCF-style: chr18-21858576-A-G. GRCh37 (hg19) VCF-style: chr18-19438537-A-G.
Other names: c.2810A>G (NM_020774.2); short protein forms D937G.
Identifiers: ClinVar variation 2442189 (VCV002442189.3), dbSNP rs1208635824, ClinGen allele CA401797759.